The following is an entry in ClinVar:

NM_006206.6(PDGFRA):c.2774+2T>G

Gene: PDGFRA (platelet derived growth factor receptor alpha; plus strand). Cytogenetic location: 4q12.
Variant type: single nucleotide variant.
Coding change: c.2774+2T>G on transcript NM_006206.6 (MANE Select); the canonical splice donor site of the intron after coding-DNA position 2774, T replaced by G.
Molecular consequence: splice donor variant.
Genome position (GRCh38, 1-based): chr4:54,288,900, T>G. VCF-style: chr4-54288900-T-G. GRCh37 (hg19) VCF-style: chr4-55155067-T-G.
Other names: c.2849+2T>G (NM_001347828.2); c.2774+2T>G (NM_001347829.2); c.2813+2T>G (NM_001347830.2).
Identifiers: ClinVar variation 2742837 (VCV002742837.3), dbSNP rs2110345137, ClinGen allele CA356895635.

ClinVar aggregate classification (germline): Uncertain significance (1 of 4 stars; one submission).

Conditions:
Gastrointestinal stromal tumor. Also called: Gastrointestinal stromal tumor, somatic; Gastrointestinal stroma tumor. Identifiers: Orphanet 44890, MedGen C0238198, MeSH D046152, MONDO:0011719, OMIM 606764, HP:0100723.

Submission:

Labcorp Genetics (formerly Invitae), Labcorp
Classification: Uncertain significance for Gastrointestinal stromal tumor. Last evaluated: 2023-07-12. Review status: criteria provided, single submitter. Criteria: Invitae Variant Classification Sherloc (09022015). Collection method: clinical testing. Allele origin: germline.
Comment: Algorithms developed to predict the effect of sequence changes on RNA splicing suggest that this variant may disrupt the consensus splice site. This variant has not been reported in the literature in individuals affected with PDGFRA-related conditions. This variant is not present in population databases (gnomAD no frequency). This sequence change affects a donor splice site in intron 20 of the PDGFRA gene. It is expected to disrupt RNA splicing. Variants that disrupt the donor or acceptor splice site typically lead to a loss of protein function (PMID: 16199547), however the current clinical and genetic evidence is not sufficient to establish whether loss-of-function variants in PDGFRA cause disease. In summary, the available evidence is currently insufficient to determine the role of this variant in disease. Therefore, it has been classified as a Variant of Uncertain Significance.

Literature cited by the submitters: PubMed 16199547.